The following is an entry in ClinVar:

ClinVar aggregate classification (germline): Uncertain significance (1 of 4 stars; one submission).

Conditions:
Autosomal recessive limb-girdle muscular dystrophy type 2A (LGMDR1). Also called: Limb-girdle muscular dystrophy, type 2A; Calpainopathy; Muscular dystrophy, limb-girdle, type 2A, Amish; LEYDEN-MOEBIUS MUSCULAR DYSTROPHY; MUSCULAR DYSTROPHY, PELVOFEMORAL. Identifiers: Orphanet 267, MedGen C1869123, MONDO:0009675, OMIM 253600. Disease mechanism: loss of function.

Allele frequency attached by ClinVar (database versions not stated): gnomAD exomes below 0.00001; gnomAD 0.00001.
gnomAD v4.1: 7 of 1,613,952 alleles (0.00043%); highest among the groups gnomAD compares: South Asian, 0.0055%; no homozygotes.

Submission:

Labcorp Genetics (formerly Invitae), Labcorp
Classification: Uncertain significance for Autosomal recessive limb-girdle muscular dystrophy type 2A. Last evaluated: 2025-07-18. Review status: criteria provided, single submitter. Criteria: Invitae Variant Classification Sherloc (09022015). Collection method: clinical testing. Allele origin: germline.
Comment: This sequence change replaces tryptophan, which is neutral and slightly polar, with arginine, which is basic and polar, at codon 721 of the CAPN3 protein (p.Trp721Arg). This variant is present in population databases (no rsID available, gnomAD 0.006%). This variant has not been reported in the literature in individuals affected with CAPN3-related conditions. ClinVar contains an entry for this variant (Variation ID: 2897804). Invitae Evidence Modeling of protein sequence and biophysical properties (such as structural, functional, and spatial information, amino acid conservation, physicochemical variation, residue mobility, and thermodynamic stability) indicates that this missense variant is expected to disrupt CAPN3 protein function with a positive predictive value of 80%. In summary, the available evidence is currently insufficient to determine the role of this variant in disease. Therefore, it has been classified as a Variant of Uncertain Significance.

NM_000070.3(CAPN3):c.2161T>C (p.Trp721Arg)

Gene: CAPN3 (calpain 3; plus strand). Cytogenetic location: 15q15.1.
Variant type: single nucleotide variant.
Coding change: c.2161T>C on transcript NM_000070.3 (MANE Select); coding-DNA position 2161, T replaced by C.
Protein change: p.Trp721Arg; replaces tryptophan 721 with arginine.
Molecular consequence: missense variant.
Genome position (GRCh38, 1-based): chr15:42,410,473, T>C. VCF-style: chr15-42410473-T-C. GRCh37 (hg19) VCF-style: chr15-42702671-T-C.
Other names: c.2143T>C, p.Trp715Arg (NM_024344.2); c.1885T>C, p.Trp629Arg (NM_173087.2); c.625T>C, p.Trp209Arg (NM_173088.2); c.166T>C, p.Trp56Arg (NM_173089.2, NM_173090.2); c.*1259T>C (NM_212464.2); c.*1836T>C (NM_212467.2); short protein forms W56R, W209R, W715R, W721R, W629R.
Identifiers: ClinVar variation 2897804 (VCV002897804.3), dbSNP rs1412254564, ClinGen allele CA392001699.